The following is an entry in ClinVar:

ClinVar aggregate classification (germline): Uncertain significance (1 of 4 stars; one submission).

Conditions:
Centromeric instability of chromosomes 1,9 and 16 and immunodeficiency (ICF1). Also called: CENTROMERIC INSTABILITY, IMMUNODEFICIENCY SYNDROME; Immunodeficiency-centromeric instability-facial anomalies; IMMUNE DEFICIENCY, VARIABLE, WITH CENTROMERIC INSTABILITY OF CHROMOSOMES 1, 9, AND 16; IMMUNODEFICIENCY SYNDROME, VARIABLE. Identifiers: Orphanet 2268, MedGen C0398788, MONDO:0000133.

Submission:

Labcorp Genetics (formerly Invitae), Labcorp
Classification: Uncertain significance for Centromeric instability of chromosomes 1,9 and 16 and immunodeficiency. Last evaluated: 2025-02-17. Review status: criteria provided, single submitter. Criteria: Invitae Variant Classification Sherloc (09022015). Collection method: clinical testing. Allele origin: germline.
Comment: This sequence change replaces glutamine, which is neutral and polar, with histidine, which is basic and polar, at codon 197 of the DNMT3B protein (p.Gln197His). This variant is not present in population databases (gnomAD no frequency). This variant has not been reported in the literature in individuals affected with DNMT3B-related conditions. ClinVar contains an entry for this variant (Variation ID: 1716279). Invitae Evidence Modeling of protein sequence and biophysical properties (such as structural, functional, and spatial information, amino acid conservation, physicochemical variation, residue mobility, and thermodynamic stability) indicates that this missense variant is not expected to disrupt DNMT3B protein function with a negative predictive value of 95%. In summary, the available evidence is currently insufficient to determine the role of this variant in disease. Therefore, it has been classified as a Variant of Uncertain Significance.

NM_006892.4(DNMT3B):c.591G>C (p.Gln197His)

Gene: DNMT3B (DNA methyltransferase 3 beta; plus strand). Cytogenetic location: 20q11.21.
Variant type: single nucleotide variant.
Coding change: c.591G>C on transcript NM_006892.4 (MANE Select); coding-DNA position 591, G replaced by C.
Protein change: p.Gln197His; replaces glutamine 197 with histidine.
Molecular consequence: missense variant.
Genome position (GRCh38, 1-based): chr20:32,787,388, G>C. VCF-style: chr20-32787388-G-C. GRCh37 (hg19) VCF-style: chr20-31375194-G-C.
Other names: c.465G>C, p.Gln155His (NM_001207055.2); c.363G>C, p.Gln121His (NM_001207056.2); c.591G>C, p.Gln197His (NM_175848.2, NM_175849.2); c.627G>C, p.Gln209His (NM_175850.3); short protein forms Q121H, Q155H, Q197H, Q209H.
Identifiers: ClinVar variation 1716279 (VCV001716279.5), dbSNP rs747675921, ClinGen allele CA408586825.